The following is an entry in ClinVar:

ClinVar aggregate classification (germline): Uncertain significance (1 of 4 stars; one submission).

Submission:

GeneDx
Classification: Uncertain significance. Last evaluated: 2025-05-12. Review status: criteria provided, single submitter. Criteria: GeneDx Variant Classification Process June 2021. Collection method: clinical testing. Allele origin: germline. Affected: yes.
Comment: Not observed at significant frequency in large population cohorts (gnomAD); Missense variants in this gene are a common cause of disease and they are underrepresented in the general population; In silico analysis suggests that this missense variant does not alter protein structure/function; Has not been previously published as pathogenic or benign to our knowledge

NM_002755.4(MAP2K1):c.257C>T (p.Ser86Phe)

Gene: MAP2K1 (mitogen-activated protein kinase kinase 1; plus strand). Cytogenetic location: 15q22.31.
Variant type: single nucleotide variant.
Coding change: c.257C>T on transcript NM_002755.4 (MANE Select); coding-DNA position 257, C replaced by T.
Protein change: p.Ser86Phe; replaces serine 86 with phenylalanine.
Molecular consequence: missense variant.
Genome position (GRCh38, 1-based): chr15:66,435,203, C>T. VCF-style: chr15-66435203-C-T. GRCh37 (hg19) VCF-style: chr15-66727541-C-T.
Other names: c.191C>T, p.Ser64Phe (NM_001411065.1); short protein forms S64F, S86F.
Identifiers: ClinVar variation 4529986 (VCV004529986.1).